The following is an entry in ClinVar:

ClinVar aggregate classification (germline): Uncertain significance. Review status: criteria provided, multiple submitters, no conflicts (2 of 4 stars). 3 submissions from 3 submitters: Uncertain significance (3). Last evaluated 2026-03-09.

Conditions:
Congenital disorder of glycosylation, type Iaa. Also called: Congenital disorder of glycosylation, type 1aa. Identifiers: MedGen C4310727, MONDO:0014904, OMIM 617082.

Allele frequency attached by ClinVar (database versions not stated): gnomAD 0.00009; ESP Exome Variant Server 0.00023; gnomAD exomes 0.00009; TOPMed 0.00012; ExAC 0.00007.

Submissions (3):

Women's Health and Genetics/Laboratory Corporation of America, LabCorp
Classification: Uncertain significance. Last evaluated: 2026-03-09. Review status: criteria provided, single submitter. Criteria: LabCorp Variant Classification Summary - May 2015. Collection method: clinical testing. Allele origin: germline.
Comment: Variant summary: NUS1 c.629T>C (p.Leu210Ser) results in a non-conservative amino acid change in the encoded protein sequence. Algorithms developed to predict the effect of missense changes on protein structure and function are either unavailable or do not agree on the potential impact of this missense change. The variant allele was found at a frequency of 8.8e-05 in 250816 control chromosomes. This frequency is not significantly higher than estimated for disease-causing variants in NUS1, allowing no conclusion about variant significance. To our knowledge, no occurrence of c.629T>C in individuals affected with NUS1-related conditions and no experimental evidence demonstrating its impact on protein function have been reported. ClinVar contains an entry for this variant (Variation ID: 1427044). Based on the evidence outlined above, the variant was classified as uncertain significance.

Labcorp Genetics (formerly Invitae), Labcorp
Classification: Uncertain significance for Congenital disorder of glycosylation, type Iaa. Last evaluated: 2026-01-19. Review status: criteria provided, single submitter. Criteria: Invitae Variant Classification Sherloc (09022015). Collection method: clinical testing. Allele origin: germline.
Comment: This sequence change replaces leucine, which is neutral and non-polar, with serine, which is neutral and polar, at codon 210 of the NUS1 protein (p.Leu210Ser). This variant is present in population databases (rs1052237, gnomAD 0.02%). This variant has not been reported in the literature in individuals affected with NUS1-related conditions. ClinVar contains an entry for this variant (Variation ID: 1427044). An algorithm developed to predict the effect of missense changes on protein structure and function outputs the following: PolyPhen-2: "Benign". The serine amino acid residue is found in multiple mammalian species, which suggests that this missense change does not adversely affect protein function. In summary, the available evidence is currently insufficient to determine the role of this variant in disease. Therefore, it has been classified as a Variant of Uncertain Significance.

Revvity Omics, Revvity
Classification: Uncertain significance. Last evaluated: 2021-05-18. Review status: criteria provided, single submitter. Criteria: ACMG Guidelines, 2015. Collection method: clinical testing. Allele origin: germline.

NM_138459.5(NUS1):c.629T>C (p.Leu210Ser)

Gene: NUS1 (NUS1 dehydrodolichyl diphosphate synthase subunit; plus strand). Cytogenetic location: 6q22.1.
Variant type: single nucleotide variant.
Coding change: c.629T>C on transcript NM_138459.5 (MANE Select); coding-DNA position 629, T replaced by C.
Protein change: p.Leu210Ser; replaces leucine 210 with serine.
Molecular consequence: missense variant.
Genome position (GRCh38, 1-based): chr6:117,694,118, T>C. VCF-style: chr6-117694118-T-C. GRCh37 (hg19) VCF-style: chr6-118015281-T-C.
Other names: short protein forms L210S.
Identifiers: ClinVar variation 1427044 (VCV001427044.11), dbSNP rs1052237, ClinGen allele CA3977154.
Genomic context (GRCh38, chr6:117,694,118, plus strand): 5'-TGCTGTCTCCGGAAGATGGAAAAGCAGATATTGTAAGAGCTGCTCAGGACTTTTGCCAGT[T>C]AGTAGCCCAGAAGCAAAAGAGACCCACAGATTTGGATGTAGATACGTTAGCCAGTTTACT-3'
Protein context (NP_612468.1, residues 200-220): IVRAAQDFCQ[Leu210Ser]VAQKQKRPTD